The following is an entry in ClinVar:

NM_000097.7(CPOX):c.638del (p.Asn213fs)

Gene: CPOX (coproporphyrinogen oxidase; minus strand). Cytogenetic location: 3q11.2.
Variant type: Deletion.
Coding change: c.638del on transcript NM_000097.7 (MANE Select); coding-DNA position 638, one base deleted (A; older notation c.638delA).
Protein change: p.Asn213fs; shifts the reading frame from asparagine 213.
Molecular consequence: frameshift variant.
Genome position (GRCh38, 1-based): chr3:98,591,074, T deleted on the plus strand (A on the coding strand, the reverse complement: CPOX is on the minus strand); the first of 3 consecutive T bases (chr3:98,591,074-98,591,076); deleting any one gives the same sequence. VCF-style (leftmost placement, unchanged base first): chr3-98591073-AT-A. GRCh37 (hg19) VCF-style: chr3-98309917-AT-A.
Other names: short protein forms N213fs.
Identifiers: ClinVar variation 1444842 (VCV001444842.6), dbSNP rs2107131377, ClinGen allele CA2573137533.
Genomic context (GRCh38, chr3:98,591,073, plus strand): 5'-ATCTTTAGTCTTCAGAACTTTTCCTCTGCTTCTCATTTGTTTTGCAGCTTCCTCTGAAAG[AT>A]TTCCATGAACAACAGAAATGCTCACCCCAGCCTTTTCGAAAACACACCCATCTTGAAGTA-3'

ClinVar aggregate classification (germline): Pathogenic (1 of 4 stars; one submission).

Submission:

Labcorp Genetics (formerly Invitae), Labcorp
Classification: Pathogenic. Last evaluated: 2021-09-01. Review status: criteria provided, single submitter. Criteria: Invitae Variant Classification Sherloc (09022015). Collection method: clinical testing. Allele origin: germline.
Comment: This sequence change creates a premature translational stop signal (p.Asn213Ilefs*10) in the CPOX gene. It is expected to result in an absent or disrupted protein product. Loss-of-function variants in CPOX are known to be pathogenic (PMID: 9888388). This variant is not present in population databases (ExAC no frequency). This variant has not been reported in the literature in individuals affected with CPOX-related conditions. For these reasons, this variant has been classified as Pathogenic.

Literature cited by the submitters: PubMed 9888388.